The following is an entry in ClinVar:

ClinVar aggregate classification (germline): Uncertain significance (1 of 4 stars; one submission).

Submission:

Women's Health and Genetics/Laboratory Corporation of America, LabCorp
Classification: Uncertain significance. Last evaluated: 2026-01-28. Review status: criteria provided, single submitter. Criteria: LabCorp Variant Classification Summary - May 2015. Collection method: clinical testing. Allele origin: germline.
Comment: Variant summary: The variant involves the deletion of exon 1 located in the 5'UTR of the CHEK2 gene. A presumed nomenclature of c.(?_-59)_(-7+1_-6-1)del has been designated for the purposes of this classification. The variant was absent in 21694 control chromosomes (gnomAD). c.(?_-59)_(-7+1_-6-1)del has been observed in individuals affected with breast or ovarian cancer (e.g. Lilyquist_2017, Fostira_2019). These data indicate that the variant may be associated with disease. To our knowledge, no experimental evidence demonstrating an impact on protein function has been reported. The following publications have been ascertained in the context of this evaluation (PMID: 31300551, 28888541, 27751358). No submitters have cited clinical-significance assessments for this variant to ClinVar. Based on the evidence outlined above, the variant was classified as VUS-possibly pathogenic.

Literature cited by the submitters: PubMed 27751358; PubMed 31300551; PubMed 28888541.

NC_000022.10:g.(29130716_29137756)_(29137809_?)del

Gene: CHEK2 (checkpoint kinase 2; minus strand). Cytogenetic location: 22q12.1.
Variant type: Deletion.
Identifiers: ClinVar variation 4689141 (VCV004689141.1).